The following is an entry in ClinVar:

ClinVar aggregate classification (germline): Uncertain significance (1 of 4 stars; one submission).

Allele frequency attached by ClinVar (database versions not stated): gnomAD 0.00001; gnomAD exomes 0.00001; TOPMed 0.00001; ExAC 0.00002.

Submission:

Labcorp Genetics (formerly Invitae), Labcorp
Classification: Uncertain significance. Last evaluated: 2024-10-24. Review status: criteria provided, single submitter. Criteria: Invitae Variant Classification Sherloc (09022015). Collection method: clinical testing. Allele origin: germline.
Comment: This sequence change replaces alanine, which is neutral and non-polar, with threonine, which is neutral and polar, at codon 113 of the SLC13A3 protein (p.Ala113Thr). The frequency data for this variant in the population databases is considered unreliable, as metrics indicate poor data quality at this position in the gnomAD database. This variant has not been reported in the literature in individuals affected with SLC13A3-related conditions. Invitae Evidence Modeling of protein sequence and biophysical properties (such as structural, functional, and spatial information, amino acid conservation, physicochemical variation, residue mobility, and thermodynamic stability) indicates that this missense variant is expected to disrupt SLC13A3 protein function with a positive predictive value of 80%. In summary, the available evidence is currently insufficient to determine the role of this variant in disease. Therefore, it has been classified as a Variant of Uncertain Significance.

NM_022829.6(SLC13A3):c.337G>A (p.Ala113Thr)

Gene: SLC13A3 (solute carrier family 13 member 3; minus strand). Cytogenetic location: 20q13.12.
Variant type: single nucleotide variant.
Coding change: c.337G>A on transcript NM_022829.6 (MANE Select); coding-DNA position 337, G replaced by A.
Protein change: p.Ala113Thr; replaces alanine 113 with threonine.
Molecular consequence: missense variant.
Genome position (GRCh38, 1-based): chr20:46,613,500, C>T on the plus strand (G>A on the coding strand, the complement: SLC13A3 is on the minus strand). VCF-style: chr20-46613500-C-T. GRCh37 (hg19) VCF-style: chr20-45242139-C-T.
Other names: c.196G>A, p.Ala66Thr (NM_001011554.3, NM_001193340.2); c.337G>A, p.Ala113Thr (NM_001193339.2); c.43G>A, p.Ala15Thr (NM_001193342.2); short protein forms A113T, A15T, A66T.
Identifiers: ClinVar variation 2976178 (VCV002976178.3), dbSNP rs775699232, ClinGen allele CA9891663.